The following is an entry in ClinVar:

ClinVar aggregate classification (germline): Likely pathogenic (1 of 4 stars; one submission).

Allele frequency attached by ClinVar (database versions not stated): gnomAD exomes below 0.00001.
gnomAD v4.1: 1 of 1,613,870 alleles (0.000062%); highest among the groups gnomAD compares: Non-Finnish European, 0.000085%; no homozygotes.

Submission:

GeneDx
Classification: Likely pathogenic. Last evaluated: 2015-08-18. Review status: criteria provided, single submitter. Criteria: GeneDx Variant Classification (06012015). Collection method: clinical testing. Allele origin: germline. Affected: yes.
Comment: The G378R variant in the NPR2 gene has not been published as a pathogenic variant, nor has it been reported as a benign polymorphism to our knowledge. The G378R variant was not observed in approximately 6500 individuals of European and African American ancestry in the NHLBI Exome Sequencing Project, indicating it is not a common benign variant in these populations. The G378R variant is a non-conservative amino acid substitution, which is likely to impact secondary protein structure as these residues differ in polarity, charge, size and/or other properties. This substitution occurs at a position that is conserved across species, and in silico analysis predicts this variant is probably damaging to the protein structure/function. The G378R variant is a strong candidate for a disease-causing variant, however the possibility it may be a rare benign variant cannot be excluded.

NM_003995.4(NPR2):c.1132G>A (p.Gly378Arg)

Gene: NPR2 (natriuretic peptide receptor 2; plus strand). Cytogenetic location: 9p13.3.
Variant type: single nucleotide variant.
Coding change: c.1132G>A on transcript NM_003995.4 (MANE Select); coding-DNA position 1132, G replaced by A.
Protein change: p.Gly378Arg; replaces glycine 378 with arginine.
Molecular consequence: missense variant.
Genome position (GRCh38, 1-based): chr9:35,800,397, G>A. VCF-style: chr9-35800397-G-A. GRCh37 (hg19) VCF-style: chr9-35800394-G-A.
Other names: c.1132G>A, p.Gly378Arg (NM_001378923.1); short protein forms G378R.
Identifiers: ClinVar variation 427026 (VCV000427026.2), dbSNP rs1085307906, ClinGen allele CA373370518.